The following is an entry in ClinVar:

ClinVar aggregate classification (germline): Pathogenic/Likely pathogenic. Review status: criteria provided, multiple submitters, no conflicts (2 of 4 stars). 4 submissions from 4 submitters: Pathogenic (1); Likely pathogenic (1). 2 of the submissions do not count toward it. Last evaluated 2026-05-14.

Conditions:
Oculocutaneous albinism type 1. Also called: Albinism 1; ALBINISM I. Identifiers: Orphanet 352731, MedGen C0268494, MONDO:0018135. Disease mechanism: loss of function.
Oculocutaneous albinism type 1A (OCA1A). Also called: Albinism, oculocutaneous, type IA. Identifiers: Orphanet 352731, Orphanet 79431, MedGen C4551504, MONDO:0008745, OMIM 203100. Disease mechanism: loss of function.

Allele frequency attached by ClinVar (database versions not stated): ExAC 0.00001; gnomAD 0.00001; gnomAD exomes 0.00001; ESP Exome Variant Server 0.00008.

Submissions (4):

Myriad Genetics, Inc.
Classification: Pathogenic for Oculocutaneous albinism type 1. Last evaluated: 2026-05-14. Review status: criteria provided, single submitter. Criteria: Myriad Autosomal Dominant, Autosomal Recessive and X-Linked Classification Criteria (2023). Collection method: clinical testing. Allele origin: unknown.
Comment: NM_000372.4(TYR):c.1501dupC(R501Pfs*9) is a frameshift variant classified as pathogenic in the context of oculocutaneous albinism, TYR-related. R501Pfs*9 has been observed in a case with relevant disease (PMID: PMID 1903591). Relevant functional assessments of this variant are not available in the literature. R501Pfs*9 has been observed in referenced population frequency databases. In summary, NM_000372.4(TYR):c.1501dupC(R501Pfs*9) is a frameshift variant in a gene where loss of function is a known mechanism of disease, is predicted to disrupt protein function, and has been observed more frequently in cases with the relevant disease than in healthy populations. Please note: this variant was assessed in the context of healthy population screening.

Genome-Nilou Lab
Classification: Likely pathogenic for Oculocutaneous albinism type 1A. Last evaluated: 2021-07-22. Review status: criteria provided, single submitter. Criteria: ACMG Guidelines, 2015. Collection method: clinical testing. Allele origin: germline. Affected: no.

OMIM
Classification: Pathogenic for ALBINISM, OCULOCUTANEOUS, TYPE IA. Last evaluated: 1992-07-15. Review status: no assertion criteria provided. Collection method: literature only. Allele origin: germline. Not counted in ClinVar's aggregate classification.

Retina International
No classification provided. Review status: no classification provided. Collection method: not provided. Allele origin: not provided. Not counted in ClinVar's aggregate classification.

Literature cited by the submitters: PubMed 1642278 (cited by OMIM).

NM_000372.5(TYR):c.1501dup (p.Arg501fs)

Gene: TYR (tyrosinase; plus strand). Cytogenetic location: 11q14.3.
Variant type: Duplication.
Coding change: c.1501dup on transcript NM_000372.5 (MANE Select); coding-DNA position 1501, one base duplicated (C; older notation c.1501dupC).
Protein change: p.Arg501fs; shifts the reading frame from arginine 501.
Molecular consequence: frameshift variant.
Genome position (GRCh38, 1-based): chr11:89,295,277, C duplicated. VCF-style (leftmost placement, unchanged base first): chr11-89295276-T-TC. GRCh37 (hg19) VCF-style: chr11-89028444-T-TC.
Other names: short protein forms R501fs.
Identifiers: ClinVar variation 3804 (VCV000003804.5), dbSNP rs281865328, ClinGen allele CA227535.